The following is an entry in ClinVar:

ClinVar aggregate classification (germline): Benign. Review status: criteria provided, multiple submitters, no conflicts (2 of 4 stars). 4 submissions from 4 submitters: Benign (4). Last evaluated 2026-01-09.

Conditions:
Fanconi anemia complementation group P. Also called: SLX4-Related Fanconi Anemia. Identifiers: Orphanet 84, MedGen C3469542, MONDO:0013499, OMIM 613951.
Fanconi anemia (FA). Also called: Fanconi's anemia. Identifiers: Orphanet 84, MedGen C0015625, MeSH D005199, MONDO:0019391.

Allele frequency attached by ClinVar (database versions not stated): ESP Exome Variant Server 0.00046; gnomAD 0.00065 and 0.00109; TOPMed 0.00067; gnomAD exomes 0.00112 and 0.00234; ExAC 0.00249; 1000 Genomes Project 0.00359; 1000 Genomes Project 30x 0.00375.
gnomAD v4.1: 1,798 of 1,613,624 alleles (0.11%); highest among the groups gnomAD compares: South Asian, 1.6%; 26 homozygotes.

Submissions (4):

Labcorp Genetics (formerly Invitae), Labcorp
Classification: Benign for Fanconi anemia. Last evaluated: 2026-01-09. Review status: criteria provided, single submitter. Criteria: Invitae Variant Classification Sherloc (09022015). Collection method: clinical testing. Allele origin: germline.

KCCC/NGS Laboratory, Kuwait Cancer Control Center
Classification: Benign for Fanconi anemia complementation group P. Last evaluated: 2023-07-07. Review status: criteria provided, single submitter. Criteria: ACMG Guidelines, 2015. Collection method: clinical testing. Allele origin: germline. Affected: yes.

Fulgent Genetics
Classification: Benign for Fanconi anemia complementation group P. Last evaluated: 2021-08-20. Review status: criteria provided, single submitter. Criteria: ACMG Guidelines, 2015. Collection method: clinical testing. Allele origin: unknown.

Illumina Laboratory Services, Illumina
Classification: Benign for Fanconi anemia complementation group P. Last evaluated: 2018-01-12. Review status: criteria provided, single submitter. Criteria: ICSL Variant Classification Criteria 13 December 2019. Collection method: clinical testing. Allele origin: germline.
Comment: This variant was observed in the ICSL laboratory as part of a predisposition screen in an ostensibly healthy population. It had not been previously curated by ICSL or reported in the Human Gene Mutation Database (HGMD: prior to June 1st, 2018), and was therefore a candidate for classification through an automated scoring system. Utilizing variant allele frequency, disease prevalence and penetrance estimates, and inheritance mode, an automated score was calculated to assess if this variant is too frequent to cause the disease. Based on the score and internal cut-off values, a variant classified as benign is not then subjected to further curation. The score for this variant resulted in a classification of benign for this disease.

NM_032444.4(SLX4):c.5259C>T (p.Asp1753=)

Gene: SLX4 (SLX4 structure-specific endonuclease subunit; minus strand). Cytogenetic location: 16p13.3.
Variant type: single nucleotide variant.
Coding change: c.5259C>T on transcript NM_032444.4 (MANE Select); coding-DNA position 5259, C replaced by T.
Protein change: p.Asp1753=; no amino-acid change (aspartic acid 1753 retained).
Molecular consequence: synonymous variant.
Genome position (GRCh38, 1-based): chr16:3,582,588, G>A on the plus strand (C>T on the coding strand, the complement: SLX4 is on the minus strand). VCF-style: chr16-3582588-G-A. GRCh37 (hg19) VCF-style: chr16-3632589-G-A.
Other names: c.5259C>T (LRG_503t1, NM_032444.3).
Identifiers: ClinVar variation 414716 (VCV000414716.17), dbSNP rs144776083, ClinGen allele CA7865357.